The following is an entry in ClinVar:

ClinVar aggregate classification (germline): Uncertain significance (1 of 4 stars; one submission).

Submission:

Women's Health and Genetics/Laboratory Corporation of America, LabCorp
Classification: Uncertain significance. Last evaluated: 2024-03-13. Review status: criteria provided, single submitter. Criteria: LabCorp Variant Classification Summary - May 2015. Collection method: clinical testing. Allele origin: germline.
Comment: Variant summary: CRAT c.1870dupG (p.Ala624GlyfsX7) causes a frameshift in the last exon (exon 14) of the encoded protein which results in an extension of the protein. The molecular mechanism of disease attributed to CRAT is currently unknown. The variant was absent in 247244 control chromosomes. The available data on variant occurrences in the general population are insufficient to allow any conclusion about variant significance. To our knowledge, no occurrence of c.1870dupG in individuals affected with Neurodegeneration With Brain Iron Accumulation 8 and no experimental evidence demonstrating its impact on protein function have been reported. No submitters have cited clinical-significance assessments for this variant to ClinVar. Based on the evidence outlined above, the variant was classified as uncertain significance.

NM_000755.5(CRAT):c.1870dup (p.Ala624fs)

Gene: CRAT (carnitine O-acetyltransferase; minus strand). Cytogenetic location: 9q34.11.
Variant type: Duplication.
Coding change: c.1870dup on transcript NM_000755.5 (MANE Select); coding-DNA position 1870, one base duplicated (G; older notation c.1870dupG).
Protein change: p.Ala624fs; shifts the reading frame from alanine 624.
Molecular consequence: frameshift variant.
Genome position (GRCh38, 1-based): chr9:129,095,408, C duplicated on the plus strand (G on the coding strand, the reverse complement: CRAT is on the minus strand); the first of 3 consecutive C bases (chr9:129,095,408-129,095,410); duplicating any one gives the same sequence. VCF-style (leftmost placement, unchanged base first): chr9-129095407-G-GC. GRCh37 (hg19) VCF-style: chr9-131857686-G-GC.
Other names: c.1807dup, p.Ala603fs (NM_001257363.3, NM_004003.4); c.1873dup, p.Ala625fs (NM_001346546.2); c.1798dup, p.Ala600fs (NM_001346547.2); c.1735dup, p.Ala579fs (NM_001346548.2); c.1750dup, p.Ala584fs (NM_001346549.2); c.1870dupG (NM_000755.5); short protein forms A579fs, A584fs, A600fs, A603fs, A624fs, A625fs.
Identifiers: ClinVar variation 3233990 (VCV003233990.2), dbSNP rs2490685817, ClinGen allele CA2825001608.